The following is an entry in ClinVar:

ClinVar aggregate classification (germline): Likely benign. Review status: criteria provided, multiple submitters, no conflicts (2 of 4 stars). 4 submissions from 4 submitters: Likely benign (3). 1 of the submissions does not count toward it. Last evaluated 2025-08-27.

Conditions:
APTX-related disorder. Also called: APTX-related condition.

Submissions (4):

Mayo Clinic Laboratories, Mayo Clinic
Classification: Likely benign. Last evaluated: 2025-08-27. Review status: criteria provided, single submitter. Criteria: ACMG Guidelines, 2015. Collection method: clinical testing. Allele origin: germline. Observed: 1 variant allele.
Comment: BS1, BP4

Labcorp Genetics (formerly Invitae), Labcorp
Classification: Likely benign. Last evaluated: 2023-05-17. Review status: criteria provided, single submitter. Criteria: Invitae Variant Classification Sherloc (09022015). Collection method: clinical testing. Allele origin: germline.

Blueprint Genetics
Classification: Likely benign. Last evaluated: 2023-02-15. Review status: criteria provided, single submitter. Criteria: ACMG Guidelines, 2015. Collection method: clinical testing. Allele origin: germline.

PreventionGenetics, part of Exact Sciences
Classification: Likely benign for APTX-related condition. Last evaluated: 2023-09-01. Review status: no assertion criteria provided. Collection method: clinical testing. Allele origin: germline. Not counted in ClinVar's aggregate classification.
Comment: This variant is classified as likely benign based on ACMG/AMP sequence variant interpretation guidelines (Richards et al. 2015 PMID: 25741868, with internal and published modifications).

NM_001195248.2(APTX):c.484-26_484-3del

Gene: APTX (aprataxin; minus strand). Cytogenetic location: 9p21.1.
Variant type: Deletion.
Coding change: c.484-26_484-3del on transcript NM_001195248.2 (MANE Select); 26 bases into the intron before coding-DNA position 484 through 3 bases into the intron before coding-DNA position 484, 24 bases deleted (TGTTTTTTTTTTTGTTTTTTTTTT).
Molecular consequence: intron variant.
Genome position (GRCh38, 1-based): chr9:32,986,033-32,986,056, AAAAAAAAAACAAAAAAAAAAACA deleted on the plus strand (TGTTTTTTTTTTTGTTTTTTTTTT on the coding strand, the reverse complement: APTX is on the minus strand); deleting any 24 consecutive bases within chr9:32,986,033-32,986,066 gives the same sequence; the c. name uses the placement nearest the transcript's 3' end. VCF-style (leftmost placement, unchanged base first): chr9-32986032-TAAAAAAAAAACAAAAAAAAAAACA-T. GRCh37 (hg19) VCF-style: chr9-32986030-TAAAAAAAAAACAAAAAAAAAAACA-T.
Other names: p.?; c.484-26_484-3del24 (NM_175073.2); c.322-26_322-3del (NM_001369001.1, NM_001369000.1, NM_001195250.2 and 1 more transcripts); c.484-26_484-3del (NM_001368996.1, NM_001368995.1, NM_001368997.1 and 7 more transcripts); c.220-26_220-3del (NM_001369002.1, NM_001369003.1, NM_001369004.1 and 5 more transcripts); c.268-26_268-3del (NM_001195252.2).
Identifiers: ClinVar variation 2722349 (VCV002722349.7), dbSNP rs1464865878, ClinGen allele CA863361908.
Genomic context (GRCh38, chr9:32,986,032, plus strand): 5'-TGCATTTTGGGGTCCTGCATAGAAATCTTCAAGCCTTGACTCCAGTGGCCCAGGGATTCC[TAAAAAAAAAACAAAAAAAAAAACA>T]AAAAAAAAAAAAAACAAGCAATGTAAATTACAAATGCCAATAATTAAATTTGGCAACAGT-3'